The following is an entry in ClinVar:

NM_006230.4(POLD2):c.701G>A (p.Ser234Asn)

Gene: POLD2 (DNA polymerase delta 2, accessory subunit; minus strand). Cytogenetic location: 7p13.
Variant type: single nucleotide variant.
Coding change: c.701G>A on transcript NM_006230.4 (MANE Select); coding-DNA position 701, G replaced by A.
Protein change: p.Ser234Asn; replaces serine 234 with asparagine.
Molecular consequence: missense variant.
Genome position (GRCh38, 1-based): chr7:44,116,896, C>T on the plus strand (G>A on the coding strand, the complement: POLD2 is on the minus strand). VCF-style: chr7-44116896-C-T. GRCh37 (hg19) VCF-style: chr7-44156495-C-T.
Other names: c.701G>A, p.Ser234Asn (NM_001127218.3, NM_001256879.2); short protein forms S234N.
Identifiers: ClinVar variation 2794394 (VCV002794394.3), dbSNP rs1446214681, ClinGen allele CA367384015.
Genomic context (GRCh38, chr7:44,116,896, plus strand): 5'-CTCTGGGTGCTGTGGCTGAGGAGGTTGCCAGCGAGGATAACCCGGGAGACGTGGGCGGCG[C>T]TGCACTGCTCCCCTTCGTCCCCAAGCTGCCCCGTCACCACATCCACCAGCAGCTGGGTGC-3'
Protein context (NP_006221.3, residues 224-244): GQLGDEGEQC[Ser234Asn]AAHVSRVILA

ClinVar aggregate classification (germline): Uncertain significance (1 of 4 stars; one submission).

Allele frequency attached by ClinVar (database versions not stated): gnomAD exomes 0.00001.
gnomAD v4.1: 17 of 1,614,016 alleles (0.0011%); highest among the groups gnomAD compares: Non-Finnish European, 0.0014%; no homozygotes.

Submission:

Labcorp Genetics (formerly Invitae), Labcorp
Classification: Uncertain significance. Last evaluated: 2023-10-20. Review status: criteria provided, single submitter. Criteria: Invitae Variant Classification Sherloc (09022015). Collection method: clinical testing. Allele origin: germline.
Comment: This sequence change replaces serine, which is neutral and polar, with asparagine, which is neutral and polar, at codon 269 of the POLD2 protein (p.Ser269Asn). This variant is present in population databases (no rsID available, gnomAD 0.0009%). This variant has not been reported in the literature in individuals affected with POLD2-related conditions. Experimental studies and prediction algorithms are not available or were not evaluated, and the functional significance of this variant is currently unknown. In summary, the available evidence is currently insufficient to determine the role of this variant in disease. Therefore, it has been classified as a Variant of Uncertain Significance.